The following is an entry in ClinVar:

ClinVar aggregate classification (germline): Benign. Review status: criteria provided, multiple submitters, no conflicts (2 of 4 stars). 3 submissions from 3 submitters: Benign (3). Last evaluated 2026-03-05.

Conditions:
Leukodystrophy, hypomyelinating, 9. Identifiers: Orphanet 438114, MedGen C4015323, MONDO:0014506, OMIM 616140.

Submissions (3):

Mendelics
Classification: Benign for Leukodystrophy, hypomyelinating, 9. Last evaluated: 2026-03-05. Review status: criteria provided, single submitter. Criteria: ACMG Guidelines, 2015. Collection method: clinical testing. Allele origin: unknown.
Comment: This variant is considered likely benign or benign based on one or more of the following: it is predicted to be benign by multiple in silico algorithms, and/or has population frequency not consistent with disease, and/or has normal protein function, and/or has lack of segregation with disease, and/or has been detected in co-occurrence with known pathogenic variant, and/or has lack of disease association in case-control studies, and/or is located in a region inconsistent with a known cause of pathogenicity.

Labcorp Genetics (formerly Invitae), Labcorp
Classification: Benign. Last evaluated: 2026-01-10. Review status: criteria provided, single submitter. Criteria: Invitae Variant Classification Sherloc (09022015). Collection method: clinical testing. Allele origin: germline.

Mayo Clinic Laboratories, Mayo Clinic
Classification: Benign. Last evaluated: 2025-02-25. Review status: criteria provided, single submitter. Criteria: ACMG Guidelines, 2015. Collection method: clinical testing. Allele origin: germline. Observed: 247 variant alleles.
Comment: BA1, BP4, BP7

NM_002887.4(RARS1):c.1873+33del

Gene: RARS1 (arginyl-tRNA synthetase 1; plus strand). Cytogenetic location: 5q34.
Variant type: Deletion.
Coding change: c.1873+33del on transcript NM_002887.4 (MANE Select); 33 bases into the intron after coding-DNA position 1873, one base deleted (T; older notation c.1873+33delT).
Molecular consequence: intron variant.
Genome position (GRCh38, 1-based): chr5:168,518,095, T deleted; the last of 24 consecutive T bases (chr5:168,518,072-168,518,095); deleting any one gives the same sequence. VCF-style (leftmost placement, unchanged base first): chr5-168518071-CT-C. GRCh37 (hg19) VCF-style: chr5-167945076-CT-C.
Other names: p.?.
Identifiers: ClinVar variation 1680446 (VCV001680446.10), dbSNP rs747777615, ClinGen allele CA131953830.